The following is an entry in ClinVar:

ClinVar aggregate classification (germline): Pathogenic/Likely pathogenic. Review status: criteria provided, multiple submitters, no conflicts (2 of 4 stars). 2 submissions from 2 submitters: Pathogenic (1); Likely pathogenic (1). Last evaluated 2025-09-17.

Conditions:
Deficiency of aromatic-L-amino-acid decarboxylase. Also called: AADC DEFICIENCY; DDC DEFICIENCY; DOPA DECARBOXYLASE DEFICIENCY; Aromatic L-Amino Acid Decarboxylase Deficiency; Aromatic amino acid decarboxylase deficiency. Identifiers: Orphanet 35708, MedGen C1291564, MONDO:0012084, OMIM 608643.

Allele frequency attached by ClinVar (database versions not stated): TOPMed below 0.00001; ExAC 0.00001; gnomAD 0.00001; gnomAD exomes 0.00001.
gnomAD v4.1: 12 of 1,612,596 alleles (0.00074%); highest among the groups gnomAD compares: Non-Finnish European, 0.00085%; no homozygotes.

Submissions (2):

Women's Health and Genetics/Laboratory Corporation of America, LabCorp
Classification: Likely pathogenic for Deficiency of aromatic-L-amino-acid decarboxylase. Last evaluated: 2025-09-17. Review status: criteria provided, single submitter. Criteria: LabCorp Variant Classification Summary - May 2015. Collection method: clinical testing. Allele origin: germline.
Comment: Variant summary: DDC c.710T>C (p.Phe237Ser) results in a non-conservative amino acid change located in the DOPA deC-like domain of the encoded protein sequence. Algorithms developed to predict the effect of missense changes on protein structure and function all suggest that this variant is likely to be disruptive. The variant allele was found at a frequency of 8e-06 in 251310 control chromosomes. c.710T>C has been reported in the literature in two affected sisters from a family affected with Deficiency Of Aromatic-L-Amino-Acid Decarboxylase (Leuzzi_2015). These data indicate that the variant may be associated with disease. At least one publication reports experimental evidence evaluating an impact on protein function, however, does not allow convincing conclusions about the variant effect (Montioli_2020). The following publications have been ascertained in the context of this evaluation (PMID: 24788355, 31953134, 32369189). ClinVar contains an entry for this variant (Variation ID: 1677200). Based on the evidence outlined above, the variant was classified as likely pathogenic.

Labcorp Genetics (formerly Invitae), Labcorp
Classification: Pathogenic for Deficiency of aromatic-L-amino-acid decarboxylase. Last evaluated: 2024-02-15. Review status: criteria provided, single submitter. Criteria: Invitae Variant Classification Sherloc (09022015). Collection method: clinical testing. Allele origin: germline.
Comment: This sequence change replaces phenylalanine, which is neutral and non-polar, with serine, which is neutral and polar, at codon 237 of the DDC protein (p.Phe237Ser). This variant is present in population databases (rs755511614, gnomAD 0.002%). This missense change has been observed in individual(s) with aromatic L-amino acid decarboxylase deficiency (PMID: 24788355). In at least one individual the data is consistent with being in trans (on the opposite chromosome) from a pathogenic variant. It has also been observed to segregate with disease in related individuals. ClinVar contains an entry for this variant (Variation ID: 1677200). Advanced modeling of protein sequence and biophysical properties (such as structural, functional, and spatial information, amino acid conservation, physicochemical variation, residue mobility, and thermodynamic stability) has been performed at Invitae for this missense variant, however the output from this modeling did not meet the statistical confidence thresholds required to predict the impact of this variant on DDC protein function. Experimental studies have shown that this missense change affects DDC function (PMID: 31953134). For these reasons, this variant has been classified as Pathogenic.

Literature cited by the submitters: PubMed 24788355 (cited by Women's Health and Genetics/Laboratory Corporation of America, LabCorp and Labcorp Genetics (formerly Invitae), Labcorp); PubMed 31953134 (cited by Women's Health and Genetics/Laboratory Corporation of America, LabCorp and Labcorp Genetics (formerly Invitae), Labcorp); PubMed 32369189 (cited by Women's Health and Genetics/Laboratory Corporation of America, LabCorp).

NM_001082971.2(DDC):c.710T>C (p.Phe237Ser)

Gene: DDC (dopa decarboxylase; minus strand). Cytogenetic location: 7p12.1.
Variant type: single nucleotide variant.
Coding change: c.710T>C on transcript NM_001082971.2 (MANE Select); coding-DNA position 710, T replaced by C.
Protein change: p.Phe237Ser; replaces phenylalanine 237 with serine.
Molecular consequence: missense variant. On other transcripts: intron variant (2).
Genome position (GRCh38, 1-based): chr7:50,528,141, A>G on the plus strand (T>C on the coding strand, the complement: DDC is on the minus strand). VCF-style: chr7-50528141-A-G. GRCh37 (hg19) VCF-style: chr7-50595839-A-G.
Other names: c.710T>C, p.Phe237Ser (NM_000790.4, NM_001242890.2); c.596T>C, p.Phe199Ser (NM_001242886.2); c.476T>C, p.Phe159Ser (NM_001242888.2); c.435+9719T>C (NM_001242889.2); c.570+1067T>C (NM_001242887.2); short protein forms F159S, F199S, F237S.
Identifiers: ClinVar variation 1677200 (VCV001677200.6), dbSNP rs755511614, ClinGen allele CA4262298.